The following is an entry in ClinVar:

ClinVar aggregate classification (germline): Pathogenic. Review status: reviewed by expert panel (3 of 4 stars). 2 submissions from 2 submitters: Pathogenic (1). 1 of the submissions does not count toward it. Last evaluated 2017-12-15.

Conditions:
Hereditary cancer-predisposing syndrome. Also called: Hereditary Cancer Syndrome; Hereditary neoplastic syndrome; Tumor predisposition; Neoplastic Syndromes, Hereditary. Identifiers: Orphanet 140162, MedGen C0027672, MeSH D009386, MONDO:0015356.
Breast-ovarian cancer, familial, susceptibility to, 2 (BROVCA2). Also called: BRCA2 Hereditary Breast and Ovarian Cancer. Identifiers: Orphanet 145, MedGen C2675520, MONDO:0012933, OMIM 612555. Disease mechanism: loss of function.

Submissions (2):

Evidence-based Network for the Interpretation of Germline Mutant Alleles (ENIGMA)
Classification: Pathogenic for Breast-ovarian cancer, familial, susceptibility to, 2. Last evaluated: 2017-12-15. Review status: reviewed by expert panel. Criteria: ENIGMA BRCA1/2 Classification Criteria (2017-06-29). Collection method: curation. Allele origin: germline. Study: ENIGMA.
Comment: Variant allele predicted to encode a truncated non-functional protein.

Ambry Genetics
Classification: Pathogenic for Hereditary cancer-predisposing syndrome. Last evaluated: 2018-12-05. Review status: criteria provided, single submitter. Criteria: Ambry Variant Classification Scheme 2023. Collection method: clinical testing. Allele origin: germline. Not counted in ClinVar's aggregate classification.
Comment: The c.926dupC pathogenic mutation, located in coding exon 9 of the BRCA2 gene, results from a duplication of C at nucleotide position 926, causing a translational frameshift with a predicted alternate stop codon (p.L310Ifs*5). This alteration is expected to result in loss of function by premature protein truncation or nonsense-mediated mRNA decay. As such, this alteration is interpreted as a disease-causing mutation.

NM_000059.4(BRCA2):c.926dup (p.Leu310fs)

Gene: BRCA2 (BRCA2 DNA repair associated; plus strand). Cytogenetic location: 13q13.1.
Variant type: Duplication.
Coding change: c.926dup on transcript NM_000059.4 (MANE Select); coding-DNA position 926, one base duplicated (C; older notation c.926dupC).
Protein change: p.Leu310fs; shifts the reading frame from leucine 310.
Molecular consequence: frameshift variant.
Genome position (GRCh38, 1-based): chr13:32,332,404, C duplicated. VCF-style (leftmost placement, unchanged base first): chr13-32332403-T-TC. GRCh37 (hg19) VCF-style: chr13-32906540-T-TC.
Other names: c.926dupC (NM_000059.3); short protein forms L310fs.
Identifiers: ClinVar variation 441476 (VCV000441476.5), dbSNP rs1555281638, ClinGen allele CA658653672.